The following is an entry in ClinVar:

ClinVar aggregate classification (germline): Likely benign (1 of 4 stars; one submission).

Allele frequency attached by ClinVar (database versions not stated): gnomAD 0.01097 and 0.01168; 1000 Genomes Project 0.01098; TOPMed 0.01227; 1000 Genomes Project 30x 0.01327.
gnomAD v4.1: 3,211 of 1,457,884 alleles (0.22%); highest among the groups gnomAD compares: African/African-American, 3.6%; 54 homozygotes.

Submission:

GeneDx
Classification: Likely benign. Last evaluated: 2018-06-14. Review status: criteria provided, single submitter. Criteria: GeneDx Variant Classification (06012015). Collection method: clinical testing. Allele origin: germline. Affected: yes.
Comment: This variant is considered likely benign or benign based on one or more of the following criteria: it is a conservative change, it occurs at a poorly conserved position in the protein, it is predicted to be benign by multiple in silico algorithms, and/or has population frequency not consistent with disease.

NM_000093.5(COL5A1):c.5068-85A>G

Genes: COL5A1 (collagen type V alpha 1 chain; plus strand), LOC101448202 (uncharacterized LOC101448202; minus strand). Cytogenetic location: 9q34.3.
Variant type: single nucleotide variant.
Coding change: c.5068-85A>G on transcript NM_000093.5 (MANE Select); 85 bases into the intron before coding-DNA position 5068, A replaced by G.
Molecular consequence: intron variant.
Genome position (GRCh38, 1-based): chr9:134,829,891, A>G. VCF-style: chr9-134829891-A-G. GRCh37 (hg19) VCF-style: chr9-137721737-A-G.
Other names: c.5068-217A>G (NM_001278074.1).
Identifiers: ClinVar variation 675617 (VCV000675617.1), dbSNP rs112132700, ClinGen allele CA201104546.